The following is an entry in ClinVar:

ClinVar aggregate classification (germline): Uncertain significance (1 of 4 stars; one submission).

Conditions:
Hereditary nonpolyposis colorectal neoplasms. Identifiers: MedGen C0009405, MeSH D003123.

Submission:

Labcorp Genetics (formerly Invitae), Labcorp
Classification: Uncertain significance for Hereditary nonpolyposis colorectal neoplasms. Last evaluated: 2023-12-12. Review status: criteria provided, single submitter. Criteria: Invitae Variant Classification Sherloc (09022015). Collection method: clinical testing. Allele origin: germline.
Comment: This sequence change replaces valine, which is neutral and non-polar, with leucine, which is neutral and non-polar, at codon 96 of the MSH6 protein (p.Val96Leu). This variant is not present in population databases (gnomAD no frequency). This variant has not been reported in the literature in individuals affected with MSH6-related conditions. Advanced modeling of protein sequence and biophysical properties (such as structural, functional, and spatial information, amino acid conservation, physicochemical variation, residue mobility, and thermodynamic stability) performed at Invitae indicates that this missense variant is not expected to disrupt MSH6 protein function with a negative predictive value of 95%. In summary, the available evidence is currently insufficient to determine the role of this variant in disease. Therefore, it has been classified as a Variant of Uncertain Significance.

NM_000179.3(MSH6):c.286G>C (p.Val96Leu)

Gene: MSH6 (mutS homolog 6; plus strand). Cytogenetic location: 2p16.3.
Variant type: single nucleotide variant.
Coding change: c.286G>C on transcript NM_000179.3 (MANE Select); coding-DNA position 286, G replaced by C.
Protein change: p.Val96Leu; replaces valine 96 with leucine.
Molecular consequence: missense variant. On other transcripts: intron variant (5), 5 prime UTR variant (21), non-coding transcript variant (5).
Genome position (GRCh38, 1-based): chr2:47,790,952, G>C. VCF-style: chr2-47790952-G-C. GRCh37 (hg19) VCF-style: chr2-48018091-G-C.
Other names: c.-68-4942G>C (NM_001406799.1, NM_001406806.1); c.-280+7459G>C (NM_001406816.1); c.237+7482G>C (NM_001281492.2); c.-279-7659G>C (NM_001406815.1); c.-451G>C (NM_001281493.2, NM_001406811.1, NM_001406823.1 and 1 more transcripts); c.-617G>C (NM_001281494.2); c.382G>C, p.Val128Leu (NM_001406795.1, NM_001406802.1); c.286G>C, p.Val96Leu (NM_001406796.1, NM_001406798.1, NM_001406800.1 and 6 more transcripts); and 6 more; short protein forms V128L, V40L, V96L, V70L.
Identifiers: ClinVar variation 2715529 (VCV002715529.3), dbSNP rs984265203, ClinGen allele CA346736611.